The following is an entry in ClinVar:

NM_000152.5(GAA):c.569G>A (p.Arg190His)

Gene: GAA (alpha glucosidase; plus strand). Cytogenetic location: 17q25.3.
Variant type: single nucleotide variant.
Coding change: c.569G>A on transcript NM_000152.5 (MANE Select); coding-DNA position 569, G replaced by A.
Protein change: p.Arg190His; replaces arginine 190 with histidine.
Molecular consequence: missense variant.
Genome position (GRCh38, 1-based): chr17:80,105,771, G>A. VCF-style: chr17-80105771-G-A. GRCh37 (hg19) VCF-style: chr17-78079570-G-A.
Other names: c.569G>A (LRG_673t1, NM_000152.4); c.569G>A, p.Arg190His (NM_001079803.3, NM_001079804.3); short protein forms R190H.
Identifiers: ClinVar variation 188809 (VCV000188809.27), dbSNP rs528367092, ClinGen allele CA273988.

ClinVar aggregate classification (germline): Pathogenic/Likely pathogenic. Review status: criteria provided, multiple submitters, no conflicts (2 of 4 stars). 13 submissions from 13 submitters: Pathogenic (7); Likely pathogenic (5). 1 of the submissions does not count toward it. Last evaluated 2026-07-01.

Conditions:
Cardiovascular phenotype. Identifiers: MedGen CN230736.
GAA-related disorders.
Glycogen storage disease, type II (IOPD). Also called: CARDIOMEGALIA GLYCOGENICA DIFFUSA; Glycogen storage disease type 2; Acid maltase deficiency disease; Aglucosidase alfa; Deficiency of alpha-glucosidase; Deficiency of lysosomal alpha-glucosidase. Identifiers: Orphanet 365, MedGen C0017921, MONDO:0009290, OMIM 232300.

Allele frequency attached by ClinVar (database versions not stated): TOPMed 0.00002.
gnomAD v4.1: 27 of 1,612,164 alleles (0.0017%); highest among the groups gnomAD compares: Admixed American, 0.0083%; no homozygotes.

Submissions (13):

Genomenon, Inc
Classification: Likely pathogenic for Glycogen storage disease, type II. Last evaluated: 2026-07-01. Review status: criteria provided, single submitter. Criteria: Genomenon Sequence Variant Interpretation Standards - Updated. Collection method: curation. Allele origin: germline. Affected: yes.
Comment: GAA p.Arg190His (c.569G>A) is a missense variant that changes the amino acid at codon 190 from Arginine to Histidine. This variant has been observed in at least one proband with a GAA-related disorder in the compound heterozygous and/or homozygous state (PMID:29149851;29124014;21484825;23000108;24444888). At least one functional study has demonstrated a substantial alteration in protein function relative to the wild-type (PMID:22644586;23000108). It is absent or not present at a significant frequency in gnomAD. In silico models predict that this variant is possibly or probably damaging. In conclusion, we classify GAA p.Arg190His (c.569G>A) as a likely pathogenic variant.

Natera, Inc.
Classification: Pathogenic for Glycogen storage disease type II. Last evaluated: 2026-01-05. Review status: criteria provided, single submitter. Criteria: Natera Variant Classification Schema (03/2026). Collection method: clinical testing. Allele origin: germline.
Comment: The c.569G>A variant in GAA is a missense variant predicted to cause substitution of arginine to histidine at amino acid 190. This variant is rare in the general population with a frequency below the threshold expected for the associated phenotype(s). This variant has been observed in one or more individuals affected with the associated recessive disease, as either homozygous or compound heterozygous with a second variant (PMID: 29124014, 24444888, 23000108, 21484825). Computational prediction algorithms indicate this variant is likely to affect gene or protein function. Given the available evidence, this variant is classified as Pathogenic.

Genomic Medicine Center of Excellence, King Faisal Specialist Hospital and Research Centre
Classification: Pathogenic for Glycogen storage disease, type II. Last evaluated: 2025-09-10. Review status: criteria provided, single submitter. Criteria: ACMG Guidelines, 2015. Collection method: clinical testing. Allele origin: germline.

Labcorp Genetics (formerly Invitae), Labcorp
Classification: Pathogenic for Glycogen storage disease, type II. Last evaluated: 2025-08-06. Review status: criteria provided, single submitter. Criteria: Invitae Variant Classification Sherloc (09022015). Collection method: clinical testing. Allele origin: germline.
Comment: This sequence change replaces arginine, which is basic and polar, with histidine, which is basic and polar, at codon 190 of the GAA protein (p.Arg190His). This variant is present in population databases (rs528367092, gnomAD 0.007%). This missense change has been observed in individual(s) with Pompe disease (PMID: 21484825, 23000108, 24444888, 29149851, 31076647). ClinVar contains an entry for this variant (Variation ID: 188809). Invitae Evidence Modeling of protein sequence and biophysical properties (such as structural, functional, and spatial information, amino acid conservation, physicochemical variation, residue mobility, and thermodynamic stability) indicates that this missense variant is expected to disrupt GAA protein function with a positive predictive value of 95%. This variant disrupts the p.Arg190 amino acid residue in GAA. Other variant(s) that disrupt this residue have been observed in individuals with GAA-related conditions (PMID: 29046207), which suggests that this may be a clinically significant amino acid residue. For these reasons, this variant has been classified as Pathogenic.

Blueprint Genetics
Classification: Pathogenic for GAA-related disorders. Last evaluated: 2024-09-11. Review status: criteria provided, single submitter. Criteria: ACMG Guidelines, 2015. Collection method: clinical testing. Allele origin: germline. Affected: yes. Observed: 5 variant alleles.

GeneDx
Classification: Pathogenic. Last evaluated: 2024-03-11. Review status: criteria provided, single submitter. Criteria: GeneDx Variant Classification Process June 2021. Collection method: clinical testing. Allele origin: germline. Affected: yes.
Comment: Published functional studies suggest that R190H results in reduced enzyme activity (PMID: 22644586); In silico analysis supports that this missense variant has a deleterious effect on protein structure/function; Not observed at significant frequency in large population cohorts (gnomAD); This variant is associated with the following publications: (PMID: 18425781, 29149851, 24444888, 21484825, 23000108, 29124014, 34426522, 32528171, 19343043, 22253258, 31076647, 22644586)

Ambry Genetics
Classification: Likely pathogenic for Cardiovascular phenotype. Last evaluated: 2023-12-14. Review status: criteria provided, single submitter. Criteria: Ambry Variant Classification Scheme 2023. Collection method: clinical testing. Allele origin: germline.
Comment: The p.R190H variant (also known as c.569G>A), located in coding exon 2 of the GAA gene, results from a G to A substitution at nucleotide position 569. The arginine at codon 190 is replaced by histidine, an amino acid with highly similar properties. This variant has been reported in individuals with Pompe disease who were compound heterozygous with additional alterations in GAA (Kroos M et al. Hum Mutat, 2008 Jun;29:E13-26; Bali DS et al. Muscle Nerve, 2011 May;43:665-70; Er TK et al. Clin Chim Acta, 2014 Feb;429:18-25; Johnson K et al. Orphanet J Rare Dis, 2017 Nov;12:173; Fukuhara Y et al. Mol Genet Metab Rep, 2018 Mar;14:3-9). This variant is considered to be rare based on population cohorts in the Genome Aggregation Database (gnomAD). This amino acid position is highly conserved in available vertebrate species. In addition, this alteration is predicted to be deleterious by in silico analysis. Based on the majority of available evidence to date, this variant is likely to be pathogenic.

Mayo Clinic Laboratories, Mayo Clinic
Classification: Pathogenic. Last evaluated: 2023-10-17. Review status: criteria provided, single submitter. Criteria: ACMG Guidelines, 2015. Collection method: clinical testing. Allele origin: germline. Observed: 1 variant allele.
Comment: PP3, PP4_moderate, PM2, PM3, PS3

Revvity Omics, Revvity
Classification: Likely pathogenic. Last evaluated: 2023-07-31. Review status: criteria provided, single submitter. Criteria: ACMG Guidelines, 2015. Collection method: clinical testing. Allele origin: germline.

Fulgent Genetics
Classification: Likely pathogenic for Glycogen storage disease, type II. Last evaluated: 2021-09-01. Review status: criteria provided, single submitter. Criteria: ACMG Guidelines, 2015. Collection method: clinical testing. Allele origin: unknown.

Broad Center for Mendelian Genomics, Broad Institute of MIT and Harvard
Classification: Likely pathogenic for Glycogen storage disease, type II. Last evaluated: 2020-01-22. Review status: criteria provided, single submitter. Criteria: ACMG Guidelines, 2015. Collection method: curation. Allele origin: germline. Inheritance: Autosomal recessive inheritance.
Comment: This variant has been identified in 0.006% (1/16218) of African chromosomes, 0.006% (2/34578) of Latino chromosomes, and 0.001% (1/113436) of European (non-Finnish) chromosomes by the Genome Aggregation Database (gnomAD; dbSNP rs528367092). Although this variant has been seen in the general population, its frequency is low enough to be consistent with a recessive carrier frequency. In vitro functional studies provide some evidence that the p.Arg190His variant may impact GAA activity and proteolytically activated GAA levels (PMID: 22644586). However, these types of assays may not accurately represent biological function. Computational prediction tools and conservation analyses suggest that this variant may impact the protein, though this information is not predictive enough to determine pathogenicity. One species (scarlet macaw) carries a Histidine (His) at this position, raising the possibility that this change at this position may be tolerated. However, the presence of this variant in combination with pathogenic and likely pathogenic variants and in individuals with Glycogen Storage Disease II increases the likelihood that the p.Arg190His variant is pathogenic (PMID: 23000108, 24444888). The phenotype of 3 individuals heterozygous for this variant is highly specific for Glycogen Storage Disease II based on abnormally low GAA activity assay results in fibroblasts or a dried blood spot (PMID: 23000108, 24444888). In summary, although additional studies are required to fully establish its clinical significance, this variant is likely pathogenic. ACMG/AMP Criteria applied: PS3, PP3, PM2, PP4, PM3_Supporting (Richards 2015).

Women's Health and Genetics/Laboratory Corporation of America, LabCorp
Classification: Pathogenic for Glycogen storage disease, type II. Last evaluated: 2018-04-02. Review status: criteria provided, single submitter. Criteria: LabCorp Variant Classification Summary - May 2015. Collection method: clinical testing. Allele origin: germline.
Comment: Variant summary: GAA c.569G>A (p.Arg190His) results in a non-conservative amino acid change located in the Galactose mutarotase, N-terminal barrel of the encoded protein sequence. Five of five in-silico tools predict a damaging effect of the variant on protein function. The variant was observed with an allele frequency of 1.6e-05 in 244686 control chromosomes. This frequency is not significantly higher than expected for a pathogenic variant in GAA causing Glycogen Storage Disease, Type 2 (Pompe Disease) (1.6e-05 vs 0.0042), allowing no conclusion about variant significance. The variant, c.569G>A, has been reported in the literature in multiple individuals affected with Glycogen Storage Disease, Type 2 (Pompe Disease). These data indicate that the variant is very likely to be associated with disease. At least one publication reports experimental evidence evaluating an impact on protein function. The most pronounced variant effect results in <10% of normal activity. No clinical diagnostic laboratories have submitted clinical-significance assessments for this variant to ClinVar after 2014. Based on the evidence outlined above, the variant was classified as pathogenic.

Counsyl
Classification: Likely pathogenic for Glycogen storage disease, type II. Last evaluated: 2014-05-31. Review status: no assertion criteria provided. Collection method: literature only. Allele origin: unknown. Inheritance: Autosomal recessive inheritance. Not counted in ClinVar's aggregate classification.

Literature cited by the submitters: PubMed 29149851 (cited by 4 submitters); PubMed 29124014 (cited by 5 submitters); PubMed 21484825 (cited by 6 submitters); PubMed 23000108 (cited by 7 submitters); PubMed 24444888 (cited by 7 submitters); PubMed 22644586 (cited by 4 submitters); PubMed 31076647 (cited by Labcorp Genetics (formerly Invitae), Labcorp and Mayo Clinic Laboratories, Mayo Clinic); PubMed 29046207 (cited by Labcorp Genetics (formerly Invitae), Labcorp); PubMed 18425781 (cited by 4 submitters); PubMed 32528171 (cited by Mayo Clinic Laboratories, Mayo Clinic); PubMed 34356580 (cited by Mayo Clinic Laboratories, Mayo Clinic).